The following is an entry in ClinVar:

NM_001035.3(RYR2):c.6472C>T (p.His2158Tyr)

Gene: RYR2 (ryanodine receptor 2; plus strand). Cytogenetic location: 1q43.
Variant type: single nucleotide variant.
Coding change: c.6472C>T on transcript NM_001035.3 (MANE Select); coding-DNA position 6472, C replaced by T.
Protein change: p.His2158Tyr; replaces histidine 2158 with tyrosine.
Molecular consequence: missense variant.
Genome position (GRCh38, 1-based): chr1:237,631,458, C>T. VCF-style: chr1-237631458-C-T. GRCh37 (hg19) VCF-style: chr1-237794758-C-T.
Other names: short protein forms H2158Y.
Identifiers: ClinVar variation 1315786 (VCV001315786.2), dbSNP rs1680241133, ClinGen allele CA074884.

ClinVar aggregate classification (germline): Uncertain significance (1 of 4 stars; one submission).

Submission:

GeneDx
Classification: Uncertain significance. Last evaluated: 2020-02-05. Review status: criteria provided, single submitter. Criteria: GeneDx Variant Classification Process June 2021. Collection method: clinical testing. Allele origin: germline. Affected: yes.
Comment: Has not been previously published as pathogenic or benign to our knowledge; Not observed in large population cohorts (Lek et al., 2016); In silico analysis supports that this missense variant has a deleterious effect on protein structure/function; Not located in one of the three hot-spot regions of the RYR2 gene, where the majority of pathogenic missense variants occur (Medeiros-Domingo et al., 2009)